The following is an entry in ClinVar:

NM_000059.4(BRCA2):c.1787_1799del (p.Asp596fs)

Gene: BRCA2 (BRCA2 DNA repair associated; plus strand). Cytogenetic location: 13q13.1.
Variant type: Deletion.
Coding change: c.1787_1799del on transcript NM_000059.4 (MANE Select); coding-DNA positions 1787 to 1799, 13 bases deleted (ATGAAACATCTTA).
Protein change: p.Asp596fs; shifts the reading frame from aspartic acid 596.
Molecular consequence: frameshift variant.
Genome position (GRCh38, 1-based): chr13:32,333,265-32,333,277, ATGAAACATCTTA deleted. VCF-style (leftmost placement, unchanged base first): chr13-32333264-GATGAAACATCTTA-G. GRCh37 (hg19) VCF-style: chr13-32907401-GATGAAACATCTTA-G.
Other names: 2015del13; c.1787_1799del13 (NM_000059.3); short protein forms D596fs.
Identifiers: ClinVar variation 266659 (VCV000266659.6), dbSNP rs886040388, ClinGen allele CA10589118.

ClinVar aggregate classification (germline): Pathogenic. Review status: reviewed by expert panel (3 of 4 stars). 2 submissions from 2 submitters: Pathogenic (1). 1 of the submissions does not count toward it. Last evaluated 2016-10-18.

Conditions:
Hereditary cancer-predisposing syndrome. Also called: Tumor predisposition; Neoplastic Syndromes, Hereditary; Hereditary neoplastic syndrome; Hereditary Cancer Syndrome. Identifiers: Orphanet 140162, MedGen C0027672, MeSH D009386, MONDO:0015356.
Breast-ovarian cancer, familial, susceptibility to, 2 (BROVCA2). Also called: BRCA2 Hereditary Breast and Ovarian Cancer. Identifiers: Orphanet 145, MedGen C2675520, MONDO:0012933, OMIM 612555. Disease mechanism: loss of function.

Submissions (2):

Evidence-based Network for the Interpretation of Germline Mutant Alleles (ENIGMA)
Classification: Pathogenic for Breast-ovarian cancer, familial, susceptibility to, 2. Last evaluated: 2016-10-18. Review status: reviewed by expert panel. Criteria: ENIGMA BRCA1/2 Classification Criteria (2015). Collection method: curation. Allele origin: germline.
Comment: Variant allele predicted to encode a truncated non-functional protein.

Ambry Genetics
Classification: Pathogenic for Hereditary cancer-predisposing syndrome. Last evaluated: 2024-04-11. Review status: criteria provided, single submitter. Criteria: Ambry Variant Classification Scheme 2023. Collection method: clinical testing. Allele origin: germline. Not counted in ClinVar's aggregate classification.
Comment: The c.1787_1799del13 pathogenic mutation, located in coding exon 9 of the BRCA2 gene, results from a deletion of 13 nucleotides at nucleotide positions 1787 to 1799, causing a translational frameshift with a predicted alternate stop codon (p.D596Vfs*14). This variant is considered to be rare based on population cohorts in the Genome Aggregation Database (gnomAD). This alteration is expected to result in loss of function by premature protein truncation or nonsense-mediated mRNA decay. As such, this alteration is interpreted as a disease-causing mutation.